The following is an entry in ClinVar:

ClinVar aggregate classification (germline): Likely benign. Review status: criteria provided, multiple submitters, no conflicts (2 of 4 stars). 2 submissions from 2 submitters: Likely benign (2). Last evaluated 2025-02-20.

Allele frequency attached by ClinVar (database versions not stated): gnomAD exomes 0.00011 and 0.00040; TOPMed 0.00017; gnomAD 0.00020 and 0.00022.
gnomAD v4.1: 527 of 1,429,626 alleles (0.037%); highest among the groups gnomAD compares: Non-Finnish European, 0.047%; 1 homozygote.

Submissions (2):

Labcorp Genetics (formerly Invitae), Labcorp
Classification: Likely benign. Last evaluated: 2025-02-20. Review status: criteria provided, single submitter. Criteria: Invitae Variant Classification Sherloc (09022015). Collection method: clinical testing. Allele origin: germline.

Mayo Clinic Laboratories, Mayo Clinic
Classification: Likely benign. Last evaluated: 2025-01-20. Review status: criteria provided, single submitter. Criteria: ACMG Guidelines, 2015. Collection method: clinical testing. Allele origin: germline. Observed: 2 variant alleles.
Comment: BP4, BP7

NM_000097.7(CPOX):c.99A>G (p.Gly33=)

Genes: CPOX (coproporphyrinogen oxidase; minus strand), LOC129937121 (ATAC-STARR-seq lymphoblastoid silent region 14560; plus strand). Cytogenetic location: 3q11.2.
Variant type: single nucleotide variant.
Coding change: c.99A>G on transcript NM_000097.7 (MANE Select); coding-DNA position 99, A replaced by G.
Protein change: p.Gly33=; no amino-acid change (glycine 33 retained).
Molecular consequence: synonymous variant.
Genome position (GRCh38, 1-based): chr3:98,593,406, T>C on the plus strand (A>G on the coding strand, the complement: CPOX is on the minus strand). VCF-style: chr3-98593406-T-C. GRCh37 (hg19) VCF-style: chr3-98312250-T-C.
Other names: p.Gly33=.
Identifiers: ClinVar variation 1653132 (VCV001653132.9), dbSNP rs941657794, ClinGen allele CA80083873.